The following is an entry in ClinVar:

NM_001261826.3(AP3D1):c.1285G>C (p.Glu429Gln)

Gene: AP3D1 (adaptor related protein complex 3 subunit delta 1; minus strand). Cytogenetic location: 19p13.3.
Variant type: single nucleotide variant.
Coding change: c.1285G>C on transcript NM_001261826.3 (MANE Select); coding-DNA position 1285, G replaced by C.
Protein change: p.Glu429Gln; replaces glutamic acid 429 with glutamine.
Molecular consequence: missense variant.
Genome position (GRCh38, 1-based): chr19:2,121,058, C>G on the plus strand (G>C on the coding strand, the complement: AP3D1 is on the minus strand). VCF-style: chr19-2121058-C-G. GRCh37 (hg19) VCF-style: chr19-2121057-C-G.
Other names: c.1285G>C, p.Glu429Gln (NM_001374799.1, NM_003938.8); short protein forms E429Q.
Identifiers: ClinVar variation 4744623 (VCV004744623.1).

ClinVar aggregate classification (germline): Uncertain significance (1 of 4 stars; one submission).

gnomAD v4.1: 2 of 1,613,438 alleles (0.00012%); highest among the groups gnomAD compares: Non-Finnish European, 0.00017%; no homozygotes.

Submission:

Labcorp Genetics (formerly Invitae), Labcorp
Classification: Uncertain significance. Last evaluated: 2025-12-11. Review status: criteria provided, single submitter. Criteria: Invitae Variant Classification Sherloc (09022015). Collection method: clinical testing. Allele origin: germline.
Comment: This sequence change replaces glutamic acid, which is acidic and polar, with glutamine, which is neutral and polar, at codon 429 of the AP3D1 protein (p.Glu429Gln). This variant is not present in population databases (gnomAD no frequency). This variant has not been reported in the literature in individuals affected with AP3D1-related conditions. An algorithm developed to predict the effect of missense changes on protein structure and function (PolyPhen-2) suggests that this variant is likely to be tolerated. In summary, the available evidence is currently insufficient to determine the role of this variant in disease. Therefore, it has been classified as a Variant of Uncertain Significance.